The following is an entry in ClinVar:

NM_000256.3(MYBPC3):c.1546G>T (p.Glu516Ter)

Gene: MYBPC3 (myosin binding protein C3; minus strand). Cytogenetic location: 11p11.2.
Variant type: single nucleotide variant.
Coding change: c.1546G>T on transcript NM_000256.3 (MANE Select); coding-DNA position 1546, G replaced by T.
Protein change: p.Glu516Ter; replaces glutamic acid 516 with a stop codon.
Molecular consequence: nonsense.
Genome position (GRCh38, 1-based): chr11:47,342,656, C>A on the plus strand (G>T on the coding strand, the complement: MYBPC3 is on the minus strand). VCF-style: chr11-47342656-C-A. GRCh37 (hg19) VCF-style: chr11-47364207-C-A.
Other names: short protein forms E516*.
Identifiers: ClinVar variation 1069891 (VCV001069891.10), dbSNP rs730880545, ClinGen allele CA380325133.

ClinVar aggregate classification (germline): Pathogenic. Review status: criteria provided, multiple submitters, no conflicts (2 of 4 stars). 2 submissions from 2 submitters: Pathogenic (2). Last evaluated 2020-04-29.

Conditions:
Hypertrophic cardiomyopathy. Also called: HYPERTROPHIC MYOCARDIOPATHY. Identifiers: Orphanet 217569, MedGen C0007194, MeSH D002312, MONDO:0005045, HP:0001639.

gnomAD v4.1: 1 of 1,614,010 alleles (0.000062%); highest among the groups gnomAD compares: Non-Finnish European, 0.000085%; no homozygotes.

Submissions (2):

Labcorp Genetics (formerly Invitae), Labcorp
Classification: Pathogenic for Hypertrophic cardiomyopathy. Last evaluated: 2020-04-29. Review status: criteria provided, single submitter. Criteria: Invitae Variant Classification Sherloc (09022015). Collection method: clinical testing. Allele origin: germline.
Comment: For these reasons, this variant has been classified as Pathogenic. Loss-of-function variants in MYBPC3 are known to be pathogenic (PMID: 19574547). This variant is not present in population databases (ExAC no frequency). This sequence change creates a premature translational stop signal (p.Glu516*) in the MYBPC3 gene. It is expected to result in an absent or disrupted protein product. This variant has been observed in individual(s) with hypertrophic cardiomyopathy (PMID: 20624503).

Laboratory for Molecular Medicine, Mass General Brigham Personalized Medicine
Classification: Pathogenic for Hypertrophic cardiomyopathy. Last evaluated: 2017-08-15. Review status: criteria provided, single submitter. Criteria: ACMG Guidelines, 2015. Collection method: clinical testing. Allele origin: germline. Inheritance: Autosomal dominant inheritance.
Comment: The p.Glu516X variant in MYBPC3 has been reported in 1 individual with HCM (Millat 2010) and was absent from large population studies. This nonsense variant leads to a premature termination codon at position 516, which is predicted to lead to a truncated or absent protein. Heterozygous loss of function of the MYBPC3 gene is an established disease mechanism in individuals with HCM. In summary, this variant meets our criteria to be classified as pathogenic for HCM in an autosomal dominant manner based on the predicted impact of the variant.

Literature cited by the submitters: PubMed 19574547 (cited by Labcorp Genetics (formerly Invitae), Labcorp); PubMed 20624503 (cited by Labcorp Genetics (formerly Invitae), Labcorp and Laboratory for Molecular Medicine, Mass General Brigham Personalized Medicine); PubMed 25525159 (cited by Laboratory for Molecular Medicine, Mass General Brigham Personalized Medicine).